The following is an entry in ClinVar:

ClinVar aggregate classification (germline): Uncertain significance. Review status: criteria provided, multiple submitters, no conflicts (2 of 4 stars). 2 submissions from 2 submitters: Uncertain significance (2). Last evaluated 2020-11-02.

Conditions:
Hereditary cancer-predisposing syndrome. Also called: Tumor predisposition; Neoplastic Syndromes, Hereditary; Hereditary Cancer Syndrome; Hereditary neoplastic syndrome. Identifiers: Orphanet 140162, MedGen C0027672, MeSH D009386, MONDO:0015356.
Familial adenomatous polyposis 1 (FAP1). Also called: POLYPOSIS, ADENOMATOUS INTESTINAL; FAMILIAL ADENOMATOUS POLYPOSIS 1, ATTENUATED. Identifiers: MedGen C2713442, MONDO:0021056, OMIM 175100. Disease mechanism: loss of function.

Submissions (2):

Ambry Genetics
Classification: Uncertain significance for Hereditary cancer-predisposing syndrome. Last evaluated: 2020-11-02. Review status: criteria provided, single submitter. Criteria: Ambry Variant Classification Scheme 2023. Collection method: clinical testing. Allele origin: germline.
Comment: The p.K2193Q variant (also known as c.6577A>C), located in coding exon 15 of the APC gene, results from an A to C substitution at nucleotide position 6577. The lysine at codon 2193 is replaced by glutamine, an amino acid with similar properties. This amino acid position is well conserved in available vertebrate species. In addition, in silico predictors for this gene do not accurately predict pathogenicity. Since supporting evidence is limited at this time, the clinical significance of this alteration remains unclear.

Mendelics
Classification: Uncertain significance for Familial adenomatous polyposis 1. Last evaluated: 2019-05-28. Review status: criteria provided, single submitter. Criteria: Mendelics Assertion Criteria 2017. Collection method: clinical testing. Allele origin: unknown.

NM_000038.6(APC):c.6577A>C (p.Lys2193Gln)

Gene: APC (APC regulator of Wnt signaling pathway; plus strand). Cytogenetic location: 5q22.2.
Variant type: single nucleotide variant.
Coding change: c.6577A>C on transcript NM_000038.6 (MANE Select); coding-DNA position 6577, A replaced by C.
Protein change: p.Lys2193Gln; replaces lysine 2193 with glutamine.
Molecular consequence: missense variant.
Genome position (GRCh38, 1-based): chr5:112,842,171, A>C. VCF-style: chr5-112842171-A-C. GRCh37 (hg19) VCF-style: chr5-112177868-A-C.
Other names: c.6577A>C, p.Lys2193Gln (NM_001127510.3, NM_001354895.2); c.6523A>C, p.Lys2175Gln (NM_001127511.3); c.6631A>C, p.Lys2211Gln (NM_001354896.2); c.6607A>C, p.Lys2203Gln (NM_001354897.2); c.6502A>C, p.Lys2168Gln (NM_001354898.2); c.6493A>C, p.Lys2165Gln (NM_001354899.2); c.6454A>C, p.Lys2152Gln (NM_001354900.2); c.6400A>C, p.Lys2134Gln (NM_001354901.2); and 5 more; short protein forms K2165Q, K2203Q, K2067Q, K2092Q, K2134Q, K2193Q, K2033Q, K2102Q.
Identifiers: ClinVar variation 802146 (VCV000802146.3), dbSNP rs1060503343, ClinGen allele CA16035719.